The following is an entry in ClinVar:

ClinVar aggregate classification (germline): Uncertain significance (1 of 4 stars; one submission).

Submission:

Ambry Genetics
Classification: Uncertain significance. Last evaluated: 2024-07-18. Review status: criteria provided, single submitter. Criteria: Ambry Variant Classification Scheme 2023. Collection method: clinical testing. Allele origin: germline.
Comment: The p.G453E variant (also known as c.1358G>A), located in coding exon 8 of the GALNT12 gene, results from a G to A substitution at nucleotide position 1358. The glycine at codon 453 is replaced by glutamic acid, an amino acid with similar properties. This amino acid position is conserved. In addition, the in silico prediction for this alteration is inconclusive. Based on the available evidence, the clinical significance of this variant remains unclear.

NM_024642.5(GALNT12):c.1358G>A (p.Gly453Glu)

Gene: GALNT12 (polypeptide N-acetylgalactosaminyltransferase 12; plus strand). Cytogenetic location: 9q22.33.
Variant type: single nucleotide variant.
Coding change: c.1358G>A on transcript NM_024642.5 (MANE Select); coding-DNA position 1358, G replaced by A.
Protein change: p.Gly453Glu; replaces glycine 453 with glutamic acid.
Molecular consequence: missense variant.
Genome position (GRCh38, 1-based): chr9:98,844,109, G>A. VCF-style: chr9-98844109-G-A. GRCh37 (hg19) VCF-style: chr9-101606391-G-A.
Other names: short protein forms G453E.
Identifiers: ClinVar variation 3518483 (VCV003518483.1).